The following is an entry in ClinVar:

ClinVar aggregate classification (germline): Uncertain significance (1 of 4 stars; one submission).

Submission:

GeneDx
Classification: Uncertain significance. Last evaluated: 2025-03-27. Review status: criteria provided, single submitter. Criteria: GeneDx Variant Classification Process June 2021. Collection method: clinical testing. Allele origin: germline. Affected: yes.
Comment: Not observed at significant frequency in large population cohorts (gnomAD); In silico analysis supports that this missense variant has a deleterious effect on protein structure/function; Has not been previously published as pathogenic or benign to our knowledge

NM_000069.3(CACNA1S):c.3749C>T (p.Ala1250Val)

Gene: CACNA1S (calcium voltage-gated channel subunit alpha1 S; minus strand). Cytogenetic location: 1q32.1.
Variant type: single nucleotide variant.
Coding change: c.3749C>T on transcript NM_000069.3 (MANE Select); coding-DNA position 3749, C replaced by T.
Protein change: p.Ala1250Val; replaces alanine 1250 with valine.
Molecular consequence: missense variant.
Genome position (GRCh38, 1-based): chr1:201,053,505, G>A on the plus strand (C>T on the coding strand, the complement: CACNA1S is on the minus strand). VCF-style: chr1-201053505-G-A. GRCh37 (hg19) VCF-style: chr1-201022633-G-A.
Other names: short protein forms A1250V.
Identifiers: ClinVar variation 4278655 (VCV004278655.1).